The following is an entry in ClinVar:

NM_004738.5(VAPB):c.643G>C (p.Gly215Arg)

Gene: VAPB (VAMP associated protein B and C; plus strand). Cytogenetic location: 20q13.32.
Variant type: single nucleotide variant.
Coding change: c.643G>C on transcript NM_004738.5 (MANE Select); coding-DNA position 643, G replaced by C.
Protein change: p.Gly215Arg; replaces glycine 215 with arginine.
Molecular consequence: missense variant. On other transcripts: non-coding transcript variant (1).
Genome position (GRCh38, 1-based): chr20:58,444,146, G>C. VCF-style: chr20-58444146-G-C. GRCh37 (hg19) VCF-style: chr20-57019202-G-C.
Other names: c.281G>C, p.Trp94Ser (NM_001195677.2); short protein forms G215R, W94S.
Identifiers: ClinVar variation 1753544 (VCV001753544.2), dbSNP rs765382321, ClinGen allele CA9924321.

ClinVar aggregate classification (germline): Uncertain significance (1 of 4 stars; one submission).

Conditions:
Inborn genetic diseases. Identifiers: MedGen C0950123, MeSH D030342.

Submission:

Ambry Genetics
Classification: Uncertain significance for Inborn genetic diseases. Last evaluated: 2021-12-14. Review status: criteria provided, single submitter. Criteria: Ambry Variant Classification Scheme 2023. Collection method: clinical testing. Allele origin: germline.
Comment: The p.G215R variant (also known as c.643G>C), located in coding exon 6 of the VAPB gene, results from a G to C substitution at nucleotide position 643. The glycine at codon 215 is replaced by arginine, an amino acid with dissimilar properties. This amino acid position is conserved. In addition, this alteration is predicted to be tolerated by in silico analysis. Since supporting evidence is limited at this time, the clinical significance of this alteration remains unclear.